The following is an entry in ClinVar:

NM_001136193.2(FASTKD2):c.777+18T>C

Gene: FASTKD2 (FAST kinase domains 2; plus strand). Cytogenetic location: 2q33.3.
Variant type: single nucleotide variant.
Coding change: c.777+18T>C on transcript NM_001136193.2 (MANE Select); 18 bases into the intron after coding-DNA position 777, T replaced by C.
Molecular consequence: intron variant.
Genome position (GRCh38, 1-based): chr2:206,767,488, T>C. VCF-style: chr2-206767488-T-C. GRCh37 (hg19) VCF-style: chr2-207632212-T-C.
Other names: c.777+18T>C (NM_001136194.2, NM_014929.4).
Identifiers: ClinVar variation 377853 (VCV000377853.10), dbSNP rs200187845, ClinGen allele CA2074950.

ClinVar aggregate classification (germline): Benign/Likely benign. Review status: criteria provided, multiple submitters, no conflicts (2 of 4 stars). 3 submissions from 3 submitters: Benign (2); Likely benign (1). Last evaluated 2025-11-18.

Conditions:
Combined oxidative phosphorylation deficiency 44. Also called: FASTKD2-Related Combined Oxidative Phosphorylation Deficiency. Identifiers: MedGen C5394293, MONDO:0030020, OMIM 618855.

Allele frequency attached by ClinVar (database versions not stated): 1000 Genomes Project 0.00120; 1000 Genomes Project 30x 0.00141; gnomAD 0.00144 and 0.00155; TOPMed 0.00145; gnomAD exomes 0.00017 and 0.00040; ExAC 0.00052; ESP Exome Variant Server 0.00092.

Submissions (3):

Labcorp Genetics (formerly Invitae), Labcorp
Classification: Benign. Last evaluated: 2025-11-18. Review status: criteria provided, single submitter. Criteria: Invitae Variant Classification Sherloc (09022015). Collection method: clinical testing. Allele origin: germline.

Fulgent Genetics
Classification: Likely benign for Combined oxidative phosphorylation deficiency 44. Last evaluated: 2021-07-21. Review status: criteria provided, single submitter. Criteria: ACMG Guidelines, 2015. Collection method: clinical testing. Allele origin: unknown.

GeneDx
Classification: Benign. Last evaluated: 2015-04-09. Review status: criteria provided, single submitter. Criteria: GeneDx Variant Classification (06012015). Collection method: clinical testing. Allele origin: germline. Affected: yes.
Comment: This variant is considered likely benign or benign based on one or more of the following criteria: it is a conservative change, it occurs at a poorly conserved position in the protein, it is predicted to be benign by multiple in silico algorithms, and/or has population frequency not consistent with disease.